The following is an entry in ClinVar:

NM_001148.6(ANK2):c.8952A>T (p.Lys2984Asn)

Gene: ANK2 (ankyrin 2; plus strand). Cytogenetic location: 4q26.
Variant type: single nucleotide variant.
Coding change: c.8952A>T on transcript NM_001148.6 (MANE Select); coding-DNA position 8952, A replaced by T.
Protein change: p.Lys2984Asn; replaces lysine 2984 with asparagine.
Molecular consequence: missense variant. On other transcripts: intron variant (68).
Genome position (GRCh38, 1-based): chr4:113,357,570, A>T. VCF-style: chr4-113357570-A-T. GRCh37 (hg19) VCF-style: chr4-114278726-A-T.
Other names: c.4424-3253A>T (NM_001354235.2, NM_001354246.2, NM_001354265.2); c.4325-3253A>T (NM_001354236.2); c.4463-3253A>T (NM_001354232.2); c.4328-3253A>T (NM_001354228.2, NM_001354258.2); c.4265-3253A>T (NM_001354245.2, NM_001354262.2, NM_001354275.2); c.4229-3253A>T (NM_001354268.2); c.4127-3253A>T (NM_001354273.2); c.4427-3253A>T (NM_020977.5); and 35 more; short protein forms K2984N, K2906N, K3031N, K1784N, K3023N.
Identifiers: ClinVar variation 3630812 (VCV003630812.3).
Genomic context (GRCh38, chr4:113,357,570, plus strand): 5'-CACATCCCCTGTTGAAGACGTTGTAGTGGCAAGCTCCTCTAGTGGAACTGTTTTAAGCAA[A>T]GAATCTAATTTTGAGGGCCAGGACATAAAAATGGAATCCCAACAGGAAAGTACCTTGTGG-3'
Protein context (NP_001139.3, residues 2974-2994): ASSSSGTVLS[Lys2984Asn]ESNFEGQDIK

ClinVar aggregate classification (germline): Uncertain significance. Review status: criteria provided, multiple submitters, no conflicts (2 of 4 stars). 2 submissions from 2 submitters: Uncertain significance (2). Last evaluated 2025-02-23.

Conditions:
Long QT syndrome (LQTS). Identifiers: MedGen C0023976, MeSH D008133, MONDO:0002442. Disease mechanism: loss of function. Inheritance: Various modes of inheritance.
Cardiovascular phenotype. Identifiers: MedGen CN230736.

Submissions (2):

Ambry Genetics
Classification: Uncertain significance for Cardiovascular phenotype. Last evaluated: 2025-02-23. Review status: criteria provided, single submitter. Criteria: Ambry Variant Classification Scheme 2023. Collection method: clinical testing. Allele origin: germline.
Comment: The p.K2984N variant (also known as c.8952A>T), located in coding exon 38 of the ANK2 gene, results from an A to T substitution at nucleotide position 8952. The lysine at codon 2984 is replaced by asparagine, an amino acid with similar properties. This amino acid position is conserved. In addition, this alteration is predicted to be tolerated by in silico analysis. Based on the available evidence, the clinical significance of this variant remains unclear.

Labcorp Genetics (formerly Invitae), Labcorp
Classification: Uncertain significance for Long QT syndrome. Last evaluated: 2024-11-18. Review status: criteria provided, single submitter. Criteria: Invitae Variant Classification Sherloc (09022015). Collection method: clinical testing. Allele origin: germline.
Comment: This sequence change replaces lysine, which is basic and polar, with asparagine, which is neutral and polar, at codon 2984 of the ANK2 protein (p.Lys2984Asn). This variant is not present in population databases (gnomAD no frequency). This variant has not been reported in the literature in individuals affected with ANK2-related conditions. An algorithm developed to predict the effect of missense changes on protein structure and function (PolyPhen-2) suggests that this variant is likely to be tolerated. In summary, the available evidence is currently insufficient to determine the role of this variant in disease. Therefore, it has been classified as a Variant of Uncertain Significance.